The following is an entry in ClinVar:

NM_001035.3(RYR2):c.6853T>A (p.Tyr2285Asn)

Gene: RYR2 (ryanodine receptor 2; plus strand). Cytogenetic location: 1q43.
Variant type: single nucleotide variant.
Coding change: c.6853T>A on transcript NM_001035.3 (MANE Select); coding-DNA position 6853, T replaced by A.
Protein change: p.Tyr2285Asn; replaces tyrosine 2285 with asparagine.
Molecular consequence: missense variant.
Genome position (GRCh38, 1-based): chr1:237,638,417, T>A. VCF-style: chr1-237638417-T-A. GRCh37 (hg19) VCF-style: chr1-237801717-T-A.
Other names: short protein forms Y2285N.
Identifiers: ClinVar variation 1041919 (VCV001041919.10), dbSNP rs1681099721, ClinGen allele CA345395545.
Genomic context (GRCh38, chr1:237,638,417, plus strand): 5'-GTAGTTCGTTATTTGGCTGGTTGTGGACTGCAAAGTTGCCAGATGCTGGTGTCTAAGGGC[T>A]ATCCAGACATTGGGTGGAACCCAGTTGAAGGAGAGAGATATCTTGACTTTCTTAGATTTG-3'
Protein context (NP_001026.2, residues 2275-2295): QSCQMLVSKG[Tyr2285Asn]PDIGWNPVEG

ClinVar aggregate classification (germline): Uncertain significance (1 of 4 stars; one submission).

Conditions:
Catecholaminergic polymorphic ventricular tachycardia 1. Also called: VENTRICULAR TACHYCARDIA, CATECHOLAMINERGIC POLYMORPHIC, 1, WITH OR WITHOUT ATRIAL DYSFUNCTION AND/OR DILATED CARDIOMYOPATHY; VENTRICULAR TACHYCARDIA, STRESS-INDUCED POLYMORPHIC 1; RYR2-Related Catecholaminergic Polymorphic Ventricular Tachycardia. Identifiers: Orphanet 3286, MedGen C1631597, MONDO:0011484, OMIM 604772.

Allele frequency attached by ClinVar (database versions not stated): gnomAD exomes below 0.00001.
gnomAD v4.1: 2 of 1,614,000 alleles (0.00012%); highest among the groups gnomAD compares: Non-Finnish European, 0.00017%; no homozygotes.

Submission:

Labcorp Genetics (formerly Invitae), Labcorp
Classification: Uncertain significance for Catecholaminergic polymorphic ventricular tachycardia 1. Last evaluated: 2020-08-25. Review status: criteria provided, single submitter. Criteria: Invitae Variant Classification Sherloc (09022015). Collection method: clinical testing. Allele origin: germline.
Comment: This variant is not present in population databases (ExAC no frequency). This sequence change replaces tyrosine with asparagine at codon 2285 of the RYR2 protein (p.Tyr2285Asn). The tyrosine residue is highly conserved and there is a large physicochemical difference between tyrosine and asparagine. This variant has not been reported in the literature in individuals with RYR2-related conditions. Advanced modeling of protein sequence and biophysical properties (such as structural, functional, and spatial information, amino acid conservation, physicochemical variation, residue mobility, and thermodynamic stability) performed at Invitae indicates that this missense variant is expected to disrupt RYR2 protein function. In summary, the available evidence is currently insufficient to determine the role of this variant in disease. Therefore, it has been classified as a Variant of Uncertain Significance.